The following is an entry in ClinVar:

NM_033026.6(PCLO):c.9185A>G (p.Gln3062Arg)

Gene: PCLO (piccolo presynaptic cytomatrix protein; minus strand). Cytogenetic location: 7q21.11.
Variant type: single nucleotide variant.
Coding change: c.9185A>G on transcript NM_033026.6 (MANE Select); coding-DNA position 9185, A replaced by G.
Protein change: p.Gln3062Arg; replaces glutamine 3062 with arginine.
Molecular consequence: missense variant.
Genome position (GRCh38, 1-based): chr7:82,951,403, T>C on the plus strand (A>G on the coding strand, the complement: PCLO is on the minus strand). VCF-style: chr7-82951403-T-C. GRCh37 (hg19) VCF-style: chr7-82580719-T-C.
Other names: c.9185A>G, p.Gln3062Arg (NM_014510.3); short protein forms Q3062R.
Identifiers: ClinVar variation 1431426 (VCV001431426.8), dbSNP rs1206921003, ClinGen allele CA367909026.
Genomic context (GRCh38, chr7:82,951,403, plus strand): 5'-AAAACACTCCCCACACAATACTGGGGTCCTGGTGGTGGTGTCATTCTTGCTGTGGAATAC[T>C]GTGGGGTACTAATCCCAGCTCCTGAAATGACTTGTCGTGTTTCTGGATATGGACCTGTAG-3'
Protein context (NP_149015.2, residues 3052-3072): VISGAGISTP[Gln3062Arg]YSTARMTPPP

ClinVar aggregate classification (germline): Uncertain significance (1 of 4 stars; one submission).

Allele frequency attached by ClinVar (database versions not stated): gnomAD exomes below 0.00001; gnomAD 0.00001; TOPMed 0.00001.
gnomAD v4.1: 2 of 1,599,770 alleles (0.00013%); highest among the groups gnomAD compares: East Asian, 0.0023%; no homozygotes.

Submission:

Labcorp Genetics (formerly Invitae), Labcorp
Classification: Uncertain significance. Last evaluated: 2021-01-08. Review status: criteria provided, single submitter. Criteria: Invitae Variant Classification Sherloc (09022015). Collection method: clinical testing. Allele origin: germline.
Comment: This variant has not been reported in the literature in individuals with PCLO-related conditions. In summary, the available evidence is currently insufficient to determine the role of this variant in disease. Therefore, it has been classified as a Variant of Uncertain Significance. Algorithms developed to predict the effect of missense changes on protein structure and function are either unavailable or do not agree on the potential impact of this missense change (SIFT: "Deleterious"; PolyPhen-2: "Not Available"; Align-GVGD: "Class C0"). This variant is not present in population databases (ExAC no frequency). This sequence change replaces glutamine with arginine at codon 3062 of the PCLO protein (p.Gln3062Arg). The glutamine residue is moderately conserved and there is a small physicochemical difference between glutamine and arginine.